The following is an entry in ClinVar:

NM_007194.4(CHEK2):c.796C>A (p.Pro266Thr)

Gene: CHEK2 (checkpoint kinase 2; minus strand). Cytogenetic location: 22q12.1.
Variant type: single nucleotide variant.
Coding change: c.796C>A on transcript NM_007194.4 (MANE Select); coding-DNA position 796, C replaced by A.
Protein change: p.Pro266Thr; replaces proline 266 with threonine.
Molecular consequence: missense variant.
Genome position (GRCh38, 1-based): chr22:28,710,056, G>T on the plus strand (C>A on the coding strand, the complement: CHEK2 is on the minus strand). VCF-style: chr22-28710056-G-T. GRCh37 (hg19) VCF-style: chr22-29106044-G-T.
Other names: c.925C>A, p.Pro309Thr (NM_001005735.3); c.133C>A, p.Pro45Thr (NM_001257387.3); c.595C>A, p.Pro199Thr (NM_001349956.3); c.796C>A, p.Pro266Thr (NM_145862.3); short protein forms P199T, P266T, P309T, P45T.
Identifiers: ClinVar variation 827367 (VCV000827367.16), dbSNP rs1601777776, ClinGen allele CA411102505.

ClinVar aggregate classification (germline): Uncertain significance. Review status: criteria provided, multiple submitters, no conflicts (2 of 4 stars). 4 submissions from 4 submitters: Uncertain significance (4). Last evaluated 2025-12-22.

Conditions:
CHEK2-related disorder.
Hereditary cancer-predisposing syndrome. Also called: Hereditary neoplastic syndrome; Neoplastic Syndromes, Hereditary; Tumor predisposition; Hereditary Cancer Syndrome. Identifiers: Orphanet 140162, MedGen C0027672, MeSH D009386, MONDO:0015356.
Prostate cancer. Also called: Malignant tumor of prostate. Identifiers: Orphanet 1331, MedGen C0376358, MONDO:0008315, HP:0012125.
Colorectal cancer. Also called: Colorectal cancer, somatic; Malignant Colorectal Neoplasm. Identifiers: MedGen C0346629, MONDO:0005575, OMIM 114500.
Familial cancer of breast. Also called: Hereditary breast cancer; BREAST CANCER, FAMILIAL; hereditary breast carcinoma. Identifiers: Orphanet 227535, MedGen C0346153, MONDO:0016419, OMIM 114480. Disease mechanism: loss of function.
Bone osteosarcoma. Also called: Osteosarcoma, somatic. Identifiers: Orphanet 668, MedGen C0585442, MONDO:0002629, OMIM 259500.
CHEK2-related cancer predisposition (TPDS4). Also called: CHEK2-related cancer susceptibility; CANCER PREDISPOSITION SYNDROME, CHEK2-RELATED; TUMOR PREDISPOSITION SYNDROME 4. Identifiers: Orphanet 524, MedGen C5882668, MONDO:0700271, OMIM 609265.

Submissions (4):

Labcorp Genetics (formerly Invitae), Labcorp
Classification: Uncertain significance for Familial cancer of breast. Last evaluated: 2025-12-22. Review status: criteria provided, single submitter. Criteria: Invitae Variant Classification Sherloc (09022015). Collection method: clinical testing. Allele origin: germline.
Comment: This sequence change replaces proline, which is neutral and non-polar, with threonine, which is neutral and polar, at codon 266 of the CHEK2 protein (p.Pro266Thr). This variant is not present in population databases (gnomAD no frequency). This variant has not been reported in the literature in individuals affected with CHEK2-related conditions. ClinVar contains an entry for this variant (Variation ID: 827367). An algorithm developed to predict the effect of missense changes on protein structure and function outputs the following: PolyPhen-2: "Benign". The threonine amino acid residue is found in multiple mammalian species, which suggests that this missense change does not adversely affect protein function. In summary, the available evidence is currently insufficient to determine the role of this variant in disease. Therefore, it has been classified as a Variant of Uncertain Significance.

PreventionGenetics, part of Exact Sciences
Classification: Uncertain significance for CHEK2-related condition. Last evaluated: 2022-12-08. Review status: criteria provided, single submitter. Criteria: ACMG Guidelines, 2015. Collection method: clinical testing. Allele origin: germline.
Comment: The CHEK2 c.796C>A variant is predicted to result in the amino acid substitution p.Pro266Thr. To our knowledge, this variant has not been reported in the literature or in a large population database, indicating this variant is rare. It is interpreted as a variant of uncertain significance in ClinVar. At this time, the clinical significance of this variant is uncertain due to the absence of conclusive functional and genetic evidence.

Fulgent Genetics
Classification: Uncertain significance for Familial cancer of breast; Colorectal cancer; Familial prostate cancer; Bone osteosarcoma; CHEK2-related cancer predisposition. Last evaluated: 2021-10-21. Review status: criteria provided, single submitter. Criteria: ACMG Guidelines, 2015. Collection method: clinical testing. Allele origin: unknown.

Ambry Genetics
Classification: Uncertain significance for Hereditary cancer-predisposing syndrome. Last evaluated: 2020-09-02. Review status: criteria provided, single submitter. Criteria: Ambry Variant Classification Scheme 2023. Collection method: clinical testing. Allele origin: germline.
Comment: The p.P266T variant (also known as c.796C>A), located in coding exon 6 of the CHEK2 gene, results from a C to A substitution at nucleotide position 796. The proline at codon 266 is replaced by threonine, an amino acid with highly similar properties. This amino acid position is well conserved in available vertebrate species. In addition, this alteration is predicted to be tolerated by in silico analysis. Since supporting evidence is limited at this time, the clinical significance of this alteration remains unclear.